The following is an entry in ClinVar:

ClinVar aggregate classification (germline): Conflicting classifications of pathogenicity. Review status: criteria provided, conflicting classifications (1 of 4 stars). 3 submissions from 3 submitters: Uncertain significance (1); Likely benign (2). Last evaluated 2026-01-28.

Conditions:
EYS-related disorder. Also called: EYS-related condition.

Allele frequency attached by ClinVar (database versions not stated): gnomAD 0.00002 and 0.00003; gnomAD exomes 0.00002 and 0.00010; ExAC 0.00009; TOPMed 0.00009; 1000 Genomes Project 30x 0.00016; 1000 Genomes Project 0.00020.
gnomAD v4.1: 40 of 1,466,942 alleles (0.0027%); highest among the groups gnomAD compares: East Asian, 0.062%; 1 homozygote.

Submissions (3):

Labcorp Genetics (formerly Invitae), Labcorp
Classification: Likely benign. Last evaluated: 2026-01-28. Review status: criteria provided, single submitter. Criteria: Invitae Variant Classification Sherloc (09022015). Collection method: clinical testing. Allele origin: germline.

PreventionGenetics, part of Exact Sciences
Classification: Likely benign for EYS-related condition. Last evaluated: 2025-06-26. Review status: criteria provided, single submitter. Criteria: ACMG Guidelines, 2015. Collection method: clinical testing. Allele origin: germline.
Comment: This variant is classified as likely benign based on ACMG/AMP sequence variant interpretation guidelines (Richards et al. 2015 PMID: 25741868, with internal and published modifications).

Blueprint Genetics
Classification: Uncertain significance. Last evaluated: 2024-07-15. Review status: criteria provided, single submitter. Criteria: ACMG Guidelines, 2015. Collection method: clinical testing. Allele origin: germline.

NM_001142800.2(EYS):c.3569-12T>C

Gene: EYS (EGF-like photoreceptor maintenance factor; minus strand). Cytogenetic location: 6q12.
Variant type: single nucleotide variant.
Coding change: c.3569-12T>C on transcript NM_001142800.2 (MANE Select); 12 bases into the intron before coding-DNA position 3569, T replaced by C.
Molecular consequence: intron variant.
Genome position (GRCh38, 1-based): chr6:64,617,545, A>G on the plus strand (T>C on the coding strand, the complement: EYS is on the minus strand). VCF-style: chr6-64617545-A-G. GRCh37 (hg19) VCF-style: chr6-65327438-A-G.
Other names: c.3569-12T>C (NM_001292009.2, NM_001142800.1).
Identifiers: ClinVar variation 1584736 (VCV001584736.10), dbSNP rs575959706, ClinGen allele CA3877146.